The following is an entry in ClinVar:

NM_021023.6(CFHR3):c.*1G>C

Gene: CFHR3 (complement factor H related 3; plus strand). Cytogenetic location: 1q31.3.
Variant type: single nucleotide variant.
Coding change: c.*1G>C on transcript NM_021023.6 (MANE Select); 1 bases downstream of the stop codon, G replaced by C.
Molecular consequence: 3 prime UTR variant.
Genome position (GRCh38, 1-based): chr1:196,793,514, G>C. VCF-style: chr1-196793514-G-C. GRCh37 (hg19) VCF-style: chr1-196762644-G-C.
Other names: c.*1G>C (NM_001166624.2).
Identifiers: ClinVar variation 4683955 (VCV004683955.1).

ClinVar aggregate classification (germline): Likely benign (1 of 4 stars; one submission).

gnomAD v4.1: 445 of 1,521,588 alleles (0.029%); highest among the groups gnomAD compares: African/African-American, 0.68%; 113 homozygotes.

Submission:

Mayo Clinic Laboratories, Mayo Clinic
Classification: Likely benign. Last evaluated: 2025-11-18. Review status: criteria provided, single submitter. Criteria: ACMG Guidelines, 2015. Collection method: clinical testing. Allele origin: germline. Observed: 10 variant alleles.
Comment: BP4, BP7